The following is an entry in ClinVar:

ClinVar aggregate classification (germline): Likely benign (0 of 4 stars; one submission).

Conditions:
CCM2-related disorder. Also called: CCM2-related condition.

Submission:

PreventionGenetics, part of Exact Sciences
Classification: Likely benign for CCM2-related condition. Last evaluated: 2023-10-11. Review status: no assertion criteria provided. Collection method: clinical testing. Allele origin: germline.
Comment: This variant is classified as likely benign based on ACMG/AMP sequence variant interpretation guidelines (Richards et al. 2015 PMID: 25741868, with internal and published modifications).

NM_031443.4(CCM2):c.*19dup

Gene: CCM2 (CCM2 scaffold protein; plus strand). Cytogenetic location: 7p13.
Variant type: Duplication.
Coding change: c.*19dup on transcript NM_031443.4 (MANE Select); 19 bases downstream of the stop codon, one base duplicated (G; older notation c.*19dupG).
Molecular consequence: 3 prime UTR variant. On other transcripts: non-coding transcript variant (1).
Genome position (GRCh38, 1-based): chr7:45,076,076, G duplicated; the last of 7 consecutive G bases (chr7:45,076,070-45,076,076); duplicating any one gives the same sequence. VCF-style (leftmost placement, unchanged base first): chr7-45076069-T-TG. GRCh37 (hg19) VCF-style: chr7-45115668-T-TG.
Other names: c.*19dup (NM_001029835.2, NM_001167934.2, NM_001167935.2 and 2 more transcripts); c.*19dupG (NM_031443.3).
Identifiers: ClinVar variation 3048186 (VCV003048186.2), dbSNP rs3214691, ClinGen allele CA4247319.
Genomic context (GRCh38, chr7:45,076,069, plus strand): 5'-CAGCGACATTGAGGCGCTGGGCTGCAGCATGGACCAGGACTCAGCATGATGGACAGTGGA[T>TG]GGGGGGGCACCCACACCTTCCGCGCAGTCGTCATAGGCCTTCCCAGAAGGAGCTGCCCAG-3'